The following is an entry in ClinVar:

ClinVar aggregate classification (germline): Uncertain significance (1 of 4 stars; one submission).

gnomAD v4.1: 1 of 1,613,770 alleles (0.000062%); highest among the groups gnomAD compares: Non-Finnish European, 0.000085%; no homozygotes.

Submission:

Labcorp Genetics (formerly Invitae), Labcorp
Classification: Uncertain significance. Last evaluated: 2025-05-05. Review status: criteria provided, single submitter. Criteria: Invitae Variant Classification Sherloc (09022015). Collection method: clinical testing. Allele origin: germline.
Comment: This sequence change replaces arginine, which is basic and polar, with threonine, which is neutral and polar, at codon 447 of the LYN protein (p.Arg447Thr). This variant is not present in population databases (gnomAD no frequency). This variant has not been reported in the literature in individuals affected with LYN-related conditions. An algorithm developed to predict the effect of missense changes on protein structure and function (PolyPhen-2) suggests that this variant is likely to be tolerated. In summary, the available evidence is currently insufficient to determine the role of this variant in disease. Therefore, it has been classified as a Variant of Uncertain Significance.

NM_002350.4(LYN):c.1340G>C (p.Arg447Thr)

Gene: LYN (LYN proto-oncogene, Src family tyrosine kinase; plus strand). Cytogenetic location: 8q12.1.
Variant type: single nucleotide variant.
Coding change: c.1340G>C on transcript NM_002350.4 (MANE Select); coding-DNA position 1340, G replaced by C.
Protein change: p.Arg447Thr; replaces arginine 447 with threonine.
Molecular consequence: missense variant.
Genome position (GRCh38, 1-based): chr8:56,009,911, G>C. VCF-style: chr8-56009911-G-C. GRCh37 (hg19) VCF-style: chr8-56922470-G-C.
Other names: c.1277G>C, p.Arg426Thr (NM_001111097.3); short protein forms R447T, R426T.
Identifiers: ClinVar variation 4715389 (VCV004715389.1).